The following is an entry in ClinVar:

ClinVar aggregate classification (germline): Uncertain significance (1 of 4 stars; one submission).

gnomAD v4.1: 1 of 1,612,290 alleles (0.000062%); highest among the groups gnomAD compares: Admixed American, 0.0017%; no homozygotes.

Submission:

GeneDx
Classification: Uncertain significance. Last evaluated: 2023-04-13. Review status: criteria provided, single submitter. Criteria: GeneDx Variant Classification Process June 2021. Collection method: clinical testing. Allele origin: germline. Affected: yes.
Comment: Not observed at significant frequency in large population cohorts (gnomAD); In silico analysis supports that this missense variant has a deleterious effect on protein structure/function; Has not been previously published as pathogenic or benign to our knowledge

NM_001148.6(ANK2):c.91A>G (p.Ser31Gly)

Gene: ANK2 (ankyrin 2; plus strand). Cytogenetic location: 4q25.
Variant type: single nucleotide variant.
Coding change: c.91A>G on transcript NM_001148.6 (MANE Select); coding-DNA position 91, A replaced by G.
Protein change: p.Ser31Gly; replaces serine 31 with glycine.
Molecular consequence: missense variant.
Genome position (GRCh38, 1-based): chr4:113,174,422, A>G. VCF-style: chr4-113174422-A-G. GRCh37 (hg19) VCF-style: chr4-114095578-A-G.
Other names: c.28A>G, p.Ser10Gly (NM_001127493.3, NM_001354239.2, NM_001354243.2 and 33 more transcripts); c.91A>G, p.Ser31Gly (NM_001354225.2, NM_001354228.2, NM_001354232.2 and 9 more transcripts); c.136A>G, p.Ser46Gly (NM_001354230.2, NM_001354231.2, NM_001354237.2 and 5 more transcripts); c.73A>G, p.Ser25Gly (NM_001354261.2, NM_001386147.1, NM_001386160.1); c.79A>G, p.Ser27Gly (NM_001354269.3, NM_001386148.2, NM_001386186.2 and 1 more transcripts); c.142A>G, p.Ser48Gly (NM_001386174.1, NM_001386175.1); short protein forms S10G, S25G, S27G, S31G, S46G, S48G.
Identifiers: ClinVar variation 3252705 (VCV003252705.1), dbSNP rs2484398964.